The following is an entry in ClinVar:

NM_016734.3(PAX5):c.445C>G (p.Gln149Glu)

Genes: PAX5 (paired box 5; minus strand), LOC105376032 (uncharacterized LOC105376032; plus strand). Cytogenetic location: 9p13.2.
Variant type: single nucleotide variant.
Coding change: c.445C>G on transcript NM_016734.3 (MANE Select); coding-DNA position 445, C replaced by G.
Protein change: p.Gln149Glu; replaces glutamine 149 with glutamic acid.
Molecular consequence: missense variant. On other transcripts: non-coding transcript variant (2).
Genome position (GRCh38, 1-based): chr9:37,006,503, G>C on the plus strand (C>G on the coding strand, the complement: PAX5 is on the minus strand). VCF-style: chr9-37006503-G-C. GRCh37 (hg19) VCF-style: chr9-37006500-G-C.
Other names: c.445C>G, p.Gln149Glu (NM_001280547.2, NM_001280548.2, NM_001280549.2 and 4 more transcripts); c.121C>G, p.Gln41Glu (NM_001280551.2, NM_001280556.2); c.247C>G, p.Gln83Glu (NM_001280555.2); short protein forms Q149E, Q83E, Q41E.
Identifiers: ClinVar variation 3928275 (VCV003928275.1).

ClinVar aggregate classification (germline): Uncertain significance (1 of 4 stars; one submission).

Conditions:
Inborn genetic diseases. Identifiers: MedGen C0950123, MeSH D030342.

Submission:

Ambry Genetics
Classification: Uncertain significance for Inborn genetic diseases. Last evaluated: 2025-03-24. Review status: criteria provided, single submitter. Criteria: Ambry Variant Classification Scheme 2023. Collection method: clinical testing. Allele origin: germline.
Comment: The p.Q149E variant (also known as c.445C>G), located in coding exon 4 of the PAX5 gene, results from a C to G substitution at nucleotide position 445. The glutamine at codon 149 is replaced by glutamic acid, an amino acid with highly similar properties. This amino acid position is conserved. In addition, the in silico prediction for this alteration is inconclusive. Based on the available evidence, the clinical significance of this variant remains unclear.